The following is an entry in ClinVar:

NM_052947.4(ALPK2):c.4573G>A (p.Glu1525Lys)

Genes: ALPK2 (alpha kinase 2; minus strand), LOC126862764 (BRD4-independent group 4 enhancer GRCh37_chr18:56202574-56203773; plus strand). Cytogenetic location: 18q21.31.
Variant type: single nucleotide variant.
Coding change: c.4573G>A on transcript NM_052947.4 (MANE Select); coding-DNA position 4573, G replaced by A.
Protein change: p.Glu1525Lys; replaces glutamic acid 1525 with lysine.
Molecular consequence: missense variant.
Genome position (GRCh38, 1-based): chr18:58,535,614, C>T on the plus strand (G>A on the coding strand, the complement: ALPK2 is on the minus strand). VCF-style: chr18-58535614-C-T. GRCh37 (hg19) VCF-style: chr18-56202846-C-T.
Other names: short protein forms E1525K.
Identifiers: ClinVar variation 2450920 (VCV002450920.2), dbSNP rs368626160, ClinGen allele CA300926430.

ClinVar aggregate classification (germline): Uncertain significance (1 of 4 stars; one submission).

Allele frequency attached by ClinVar (database versions not stated): gnomAD exomes below 0.00001; ESP Exome Variant Server 0.00008.
gnomAD v4.1: 2 of 1,614,158 alleles (0.00012%); highest among the groups gnomAD compares: Non-Finnish European, 0.00017%; no homozygotes.

Submission:

Ambry Genetics
Classification: Uncertain significance. Last evaluated: 2023-02-10. Review status: criteria provided, single submitter. Criteria: Ambry Variant Classification Scheme 2023. Collection method: clinical testing. Allele origin: germline.
Comment: The p.E1525K variant (also known as c.4573G>A), located in coding exon 4 of the ALPK2 gene, results from a G to A substitution at nucleotide position 4573. The glutamic acid at codon 1525 is replaced by lysine, an amino acid with similar properties. This amino acid position is conserved. In addition, this alteration is predicted to be tolerated by in silico analysis. Since supporting evidence is limited at this time, the clinical significance of this alteration remains unclear.